The following is an entry in ClinVar:

NM_024334.3(TMEM43):c.396G>C (p.Glu132Asp)

Gene: TMEM43 (transmembrane protein 43; plus strand). Cytogenetic location: 3p25.1.
Variant type: single nucleotide variant.
Coding change: c.396G>C on transcript NM_024334.3 (MANE Select); coding-DNA position 396, G replaced by C.
Protein change: p.Glu132Asp; replaces glutamic acid 132 with aspartic acid.
Molecular consequence: missense variant.
Genome position (GRCh38, 1-based): chr3:14,132,549, G>C. VCF-style: chr3-14132549-G-C. GRCh37 (hg19) VCF-style: chr3-14174049-G-C.
Other names: short protein forms E132D.
Identifiers: ClinVar variation 466417 (VCV000466417.2), dbSNP rs1553603024, ClinGen allele CA351534980.

ClinVar aggregate classification (germline): Uncertain significance (1 of 4 stars; one submission).

Conditions:
Arrhythmogenic right ventricular dysplasia 5. Also called: Arrhythmogenic Right Ventricular Dysplasia/Cardiomyopathy 5; ARRHYTHMOGENIC RIGHT VENTRICULAR DYSPLASIA, FAMILIAL, 5. Identifiers: MedGen C1858379, MONDO:0011459, OMIM 604400.

Allele frequency attached by ClinVar (database versions not stated): gnomAD exomes below 0.00001.
gnomAD v4.1: 4 of 1,614,178 alleles (0.00025%); highest among the groups gnomAD compares: African/African-American, 0.0053%; no homozygotes.

Submission:

Labcorp Genetics (formerly Invitae), Labcorp
Classification: Uncertain significance for Arrhythmogenic right ventricular dysplasia 5. Last evaluated: 2025-08-10. Review status: criteria provided, single submitter. Criteria: Invitae Variant Classification Sherloc (09022015). Collection method: clinical testing. Allele origin: germline.
Comment: This sequence change replaces glutamic acid, which is acidic and polar, with aspartic acid, which is acidic and polar, at codon 132 of the TMEM43 protein (p.Glu132Asp). This variant is not present in population databases (gnomAD no frequency). This variant has not been reported in the literature in individuals affected with TMEM43-related conditions. ClinVar contains an entry for this variant (Variation ID: 466417). Invitae Evidence Modeling of protein sequence and biophysical properties (such as structural, functional, and spatial information, amino acid conservation, physicochemical variation, residue mobility, and thermodynamic stability) indicates that this missense variant is not expected to disrupt TMEM43 protein function with a negative predictive value of 80%. In summary, the available evidence is currently insufficient to determine the role of this variant in disease. Therefore, it has been classified as a Variant of Uncertain Significance.